The following is an entry in ClinVar:

ClinVar aggregate classification (germline): Benign (1 of 4 stars; one submission).

Conditions:
Familial colorectal cancer type X. Identifiers: Orphanet 440437, MedGen C3896578, MONDO:0018604.

Submission:

Myriad Genetics, Inc.
Classification: Benign for Familial colorectal cancer type X. Last evaluated: 2026-08-03. Review status: criteria provided, single submitter. Criteria: Myriad Autosomal Dominant, Autosomal Recessive and X-Linked Classification Criteria (2023). Collection method: clinical testing. Allele origin: unknown.
Comment: This variant is considered benign. This variant is a silent/synonymous amino acid change and it is not expected to impact splicing.

NM_001023.4(RPS20):c.51T>C (p.Ile17=)

Gene: RPS20 (ribosomal protein S20; minus strand). Cytogenetic location: 8q12.1.
Variant type: single nucleotide variant.
Coding change: c.51T>C on transcript NM_001023.4 (MANE Select); coding-DNA position 51, T replaced by C.
Protein change: p.Ile17=; no amino-acid change (isoleucine 17 retained).
Molecular consequence: synonymous variant.
Genome position (GRCh38, 1-based): chr8:56,074,112, A>G on the plus strand (T>C on the coding strand, the complement: RPS20 is on the minus strand). VCF-style: chr8-56074112-A-G. GRCh37 (hg19) VCF-style: chr8-56986671-A-G.
Other names: c.51T>C, p.Ile17= (NM_001146227.3).
Identifiers: ClinVar variation 5042448 (VCV005042448.1).